The following is an entry in ClinVar:

ClinVar aggregate classification (germline): Uncertain significance (1 of 4 stars; one submission).

gnomAD v4.1: 1 of 1,526,262 alleles (0.000066%); highest among the groups gnomAD compares: African/African-American, 0.0014%; no homozygotes.

Submission:

Ambry Genetics
Classification: Uncertain significance. Last evaluated: 2026-08-17. Review status: criteria provided, single submitter. Criteria: Ambry Variant Classification Scheme 2023. Collection method: clinical testing. Allele origin: germline.
Comment: The c.5603C>T (p.P1868L) alteration is located in exon 18 (coding exon 17) of the CEP295 gene. This alteration results from a C to T substitution at nucleotide position 5603, causing the proline (P) at amino acid position 1868 to be replaced by a leucine (L). Based on data from gnomAD, the T allele has an overall frequency of 0.001% (1/138056) total alleles studied. The highest observed frequency was 0.013% (1/7696) of African alleles. Based on insufficient or conflicting evidence, the clinical significance of this alteration remains unclear.

NM_033395.2(CEP295):c.5603C>T (p.Pro1868Leu)

Gene: CEP295 (centrosomal protein 295; plus strand). Cytogenetic location: 11q21.
Variant type: single nucleotide variant.
Coding change: c.5603C>T on transcript NM_033395.2 (MANE Select); coding-DNA position 5603, C replaced by T.
Protein change: p.Pro1868Leu; replaces proline 1868 with leucine.
Molecular consequence: missense variant.
Genome position (GRCh38, 1-based): chr11:93,706,751, C>T. VCF-style: chr11-93706751-C-T. GRCh37 (hg19) VCF-style: chr11-93439917-C-T.
Other names: short protein forms P1868L.
Identifiers: ClinVar variation 5034352 (VCV005034352.1).